The following is an entry in ClinVar:

NM_001041.4(SI):c.551C>T (p.Thr184Ile)

Gene: SI (sucrase-isomaltase; minus strand). Cytogenetic location: 3q26.1.
Variant type: single nucleotide variant.
Coding change: c.551C>T on transcript NM_001041.4 (MANE Select); coding-DNA position 551, C replaced by T.
Protein change: p.Thr184Ile; replaces threonine 184 with isoleucine.
Molecular consequence: missense variant.
Genome position (GRCh38, 1-based): chr3:165,067,424, G>A on the plus strand (C>T on the coding strand, the complement: SI is on the minus strand). VCF-style: chr3-165067424-G-A. GRCh37 (hg19) VCF-style: chr3-164785212-G-A.
Other names: c.551C>T (NM_001041.3); short protein forms T184I.
Identifiers: ClinVar variation 1389307 (VCV001389307.6), dbSNP rs193172680, ClinGen allele CA2691449.

ClinVar aggregate classification (germline): Uncertain significance. Review status: criteria provided, multiple submitters, no conflicts (2 of 4 stars). 2 submissions from 2 submitters: Uncertain significance (2). Last evaluated 2024-04-04.

Conditions:
Inborn genetic diseases. Identifiers: MedGen C0950123, MeSH D030342.

Allele frequency attached by ClinVar (database versions not stated): gnomAD 0.00004; TOPMed 0.00005; 1000 Genomes Project 30x 0.00016.
gnomAD v4.1: 35 of 1,611,714 alleles (0.0022%); highest among the groups gnomAD compares: African/African-American, 0.0067%; no homozygotes.

Submissions (2):

Ambry Genetics
Classification: Uncertain significance for Inborn genetic diseases. Last evaluated: 2024-04-04. Review status: criteria provided, single submitter. Criteria: Ambry Variant Classification Scheme 2023. Collection method: clinical testing. Allele origin: germline.

Labcorp Genetics (formerly Invitae), Labcorp
Classification: Uncertain significance. Last evaluated: 2021-08-13. Review status: criteria provided, single submitter. Criteria: Invitae Variant Classification Sherloc (09022015). Collection method: clinical testing. Allele origin: germline.
Comment: This sequence change replaces threonine with isoleucine at codon 184 of the SI protein (p.Thr184Ile). The threonine residue is weakly conserved and there is a moderate physicochemical difference between threonine and isoleucine. This variant is present in population databases (rs193172680, ExAC 0.01%). This variant has not been reported in the literature in individuals affected with SI-related conditions. Advanced modeling of protein sequence and biophysical properties (such as structural, functional, and spatial information, amino acid conservation, physicochemical variation, residue mobility, and thermodynamic stability) performed at Invitae indicates that this missense variant is not expected to disrupt SI protein function. In summary, the available evidence is currently insufficient to determine the role of this variant in disease. Therefore, it has been classified as a Variant of Uncertain Significance.